The following is an entry in ClinVar:

ClinVar aggregate classification (germline): Uncertain significance (1 of 4 stars; one submission).

Allele frequency attached by ClinVar (database versions not stated): gnomAD exomes below 0.00001.
gnomAD v4.1: 1 of 1,614,098 alleles (0.000062%); highest among the groups gnomAD compares: Admixed American, 0.0017%; no homozygotes.

Submission:

Labcorp Genetics (formerly Invitae), Labcorp
Classification: Uncertain significance. Last evaluated: 2022-11-08. Review status: criteria provided, single submitter. Criteria: Invitae Variant Classification Sherloc (09022015). Collection method: clinical testing. Allele origin: germline.
Comment: This sequence change replaces isoleucine, which is neutral and non-polar, with threonine, which is neutral and polar, at codon 1048 of the ATP8A2 protein (p.Ile1048Thr). This variant is not present in population databases (gnomAD no frequency). This variant has not been reported in the literature in individuals affected with ATP8A2-related conditions. Advanced modeling of protein sequence and biophysical properties (such as structural, functional, and spatial information, amino acid conservation, physicochemical variation, residue mobility, and thermodynamic stability) performed at Invitae indicates that this missense variant is not expected to disrupt ATP8A2 protein function. In summary, the available evidence is currently insufficient to determine the role of this variant in disease. Therefore, it has been classified as a Variant of Uncertain Significance.

NM_016529.6(ATP8A2):c.3143T>C (p.Ile1048Thr)

Gene: ATP8A2 (ATPase phospholipid transporting 8A2). Cytogenetic location: 13q12.13.
Variant type: single nucleotide variant.
Coding change: c.3143T>C on transcript NM_016529.6 (MANE Select); coding-DNA position 3143, T replaced by C.
Protein change: p.Ile1048Thr; replaces isoleucine 1048 with threonine.
Molecular consequence: missense variant.
Genome position (GRCh38, 1-based): chr13:25,862,368, T>C. VCF-style: chr13-25862368-T-C. GRCh37 (hg19) VCF-style: chr13-26436506-T-C.
Other names: c.2948T>C, p.Ile983Thr (NM_001313741.1); c.3068T>C, p.Ile1023Thr (NM_001411005.1); c.3143T>C, p.Ile1048Thr (NM_001411006.1); short protein forms I1023T, I1048T, I983T.
Identifiers: ClinVar variation 2118504 (VCV002118504.4), dbSNP rs2542632959, ClinGen allele CA387684419.